The following is an entry in ClinVar:

ClinVar aggregate classification (germline): Uncertain significance (1 of 4 stars; one submission).

Allele frequency attached by ClinVar (database versions not stated): gnomAD exomes 0.00001.
gnomAD v4.1: 3 of 1,203,473 alleles (0.00025%); highest among the groups gnomAD compares: Non-Finnish European, 0.00034%; no homozygotes.

Submission:

Labcorp Genetics (formerly Invitae), Labcorp
Classification: Uncertain significance. Last evaluated: 2024-09-26. Review status: criteria provided, single submitter. Criteria: Invitae Variant Classification Sherloc (09022015). Collection method: clinical testing. Allele origin: germline.
Comment: This sequence change replaces methionine, which is neutral and non-polar, with isoleucine, which is neutral and non-polar, at codon 318 of the MSN protein (p.Met318Ile). The frequency data for this variant in the population databases is considered unreliable, as metrics indicate poor data quality at this position in the gnomAD database. This variant has not been reported in the literature in individuals affected with MSN-related conditions. ClinVar contains an entry for this variant (Variation ID: 1718792). An algorithm developed to predict the effect of missense changes on protein structure and function (PolyPhen-2) suggests that this variant is likely to be tolerated. In summary, the available evidence is currently insufficient to determine the role of this variant in disease. Therefore, it has been classified as a Variant of Uncertain Significance.

NM_002444.3(MSN):c.954G>A (p.Met318Ile)

Gene: MSN (moesin; plus strand). Cytogenetic location: Xq12.
Variant type: single nucleotide variant.
Coding change: c.954G>A on transcript NM_002444.3 (MANE Select); coding-DNA position 954, G replaced by A.
Protein change: p.Met318Ile; replaces methionine 318 with isoleucine.
Molecular consequence: missense variant.
Genome position (GRCh38, 1-based): chrX:65,735,425, G>A. VCF-style: chrX-65735425-G-A. GRCh37 (hg19) VCF-style: chrX-64955287-G-A.
Other names: short protein forms M318I.
Identifiers: ClinVar variation 1718792 (VCV001718792.5), dbSNP rs770882351, ClinGen allele CA10434574.
Genomic context (GRCh38, chrX:65,735,425, plus strand): 5'-TACCATTGAGGTGCAGCAGATGAAGGCACAGGCCCGGGAGGAGAAGCACCAGAAGCAGAT[G>A]GAGCGGTAGGTGCTGCACACTGATGTGGGGGGCCAGGGCTGGGGCAAGGAAGCTTCTCAA-3'
Protein context (NP_002435.1, residues 308-328): QAREEKHQKQ[Met318Ile]ERAMLENEKK